The following is an entry in ClinVar:

ClinVar aggregate classification (germline): Uncertain significance (1 of 4 stars; one submission).

Conditions:
Juvenile polyposis syndrome (JPS). Identifiers: Orphanet 2929, MedGen C0345893, MONDO:0017380, OMIM 174900.

Submission:

Labcorp Genetics (formerly Invitae), Labcorp
Classification: Uncertain significance for Juvenile polyposis syndrome. Last evaluated: 2017-06-17. Review status: criteria provided, single submitter. Criteria: Invitae Variant Classification Sherloc (09022015). Collection method: clinical testing. Allele origin: germline.
Comment: This variant has not been reported in the literature in individuals with a SMAD4-related disease. In summary, this variant has uncertain impact on SMAD4 function. The available evidence is currently insufficient to determine its role in disease. Therefore, it has been classified as a Variant of Uncertain Significance. Algorithms developed to predict the effect of missense changes on protein structure and function do not agree on the potential impact of this missense change (SIFT: "Deleterious"; PolyPhen-2: "Benign"; Align-GVGD: "Class C0"). This variant is not present in population databases (ExAC no frequency). This sequence change replaces proline with arginine at codon 312 of the SMAD4 protein (p.Pro312Arg). The proline residue is highly conserved and there is a moderate physicochemical difference between proline and arginine.

NM_005359.6(SMAD4):c.935C>G (p.Pro312Arg)

Gene: SMAD4 (SMAD family member 4; plus strand). Cytogenetic location: 18q21.2.
Variant type: single nucleotide variant.
Coding change: c.935C>G on transcript NM_005359.6 (MANE Select); coding-DNA position 935, C replaced by G.
Protein change: p.Pro312Arg; replaces proline 312 with arginine.
Molecular consequence: missense variant.
Genome position (GRCh38, 1-based): chr18:51,059,896, C>G. VCF-style: chr18-51059896-C-G. GRCh37 (hg19) VCF-style: chr18-48586266-C-G.
Other names: short protein forms P312R.
Identifiers: ClinVar variation 460573 (VCV000460573.10), dbSNP rs1555686082, ClinGen allele CA402463702.